The following is an entry in ClinVar:

ClinVar aggregate classification (germline): Conflicting classifications of pathogenicity. Review status: criteria provided, conflicting classifications (1 of 4 stars). 3 submissions from 3 submitters: Pathogenic (1); Uncertain significance (1). 1 of the submissions does not count toward it. Last evaluated 2023-08-08.

Conditions:
Congenital disorder of glycosylation (CDG). Also called: Congenital disorders of glycosylation; Carbohydrate-deficient glycoprotein syndrome. Identifiers: Orphanet 137, MedGen C0282577, MONDO:0015286.
DPAGT1-congenital disorder of glycosylation. Also called: CDG Ij; CONGENITAL DISORDER OF GLYCOSYLATION, TYPE Ij; DPAGT1-CDG. Identifiers: Orphanet 86309, MedGen C2931004, MONDO:0011964, OMIM 608093.

Allele frequency attached by ClinVar (database versions not stated): TOPMed below 0.00001; gnomAD 0.00001.
gnomAD v4.1: 1 of 1,614,106 alleles (0.000062%); highest among the groups gnomAD compares: Non-Finnish European, 0.000085%; no homozygotes.

Submissions (3):

GeneDx
Classification: Uncertain significance. Last evaluated: 2023-08-08. Review status: criteria provided, single submitter. Criteria: GeneDx Variant Classification Process June 2021. Collection method: clinical testing. Allele origin: germline. Affected: yes.
Comment: Not observed at significant frequency in large population cohorts (gnomAD); In silico analysis supports that this missense variant has a deleterious effect on protein structure/function; This variant is associated with the following publications: (PMID: 26805780, 37421173, 30117111)

Sanford Children's Health Research Center, Sanford-Burnham-Prebys Medical Discovery Institute
Classification: Pathogenic for DPAGT1-congenital disorder of glycosylation. Review status: criteria provided, single submitter. Criteria: ACMG Guidelines, 2015. Collection method: research. Allele origin: inherited. Affected: yes.

University of Washington Center for Mendelian Genomics, University of Washington
Classification: Likely pathogenic for congenital disorder of glycosylation. Review status: no assertion criteria provided. Collection method: research. Allele origin: unknown. Affected: yes. Observed: 3 variant alleles. Not counted in ClinVar's aggregate classification.

Literature cited by the submitters: PubMed 30117111 (cited by University of Washington Center for Mendelian Genomics, University of Washington).

NM_001382.4(DPAGT1):c.584C>G (p.Ala195Gly)

Gene: DPAGT1 (dolichyl-phosphate N-acetylglucosaminephosphotransferase 1; minus strand). Cytogenetic location: 11q23.3.
Variant type: single nucleotide variant.
Coding change: c.584C>G on transcript NM_001382.4 (MANE Select); coding-DNA position 584, C replaced by G.
Protein change: p.Ala195Gly; replaces alanine 195 with glycine.
Molecular consequence: missense variant.
Genome position (GRCh38, 1-based): chr11:119,100,321, G>C on the plus strand (C>G on the coding strand, the complement: DPAGT1 is on the minus strand). VCF-style: chr11-119100321-G-C. GRCh37 (hg19) VCF-style: chr11-118971031-G-C.
Other names: short protein forms A195G.
Identifiers: ClinVar variation 218096 (VCV000218096.3), dbSNP rs863225088, ClinGen allele CA279840.